The following is an entry in ClinVar:

ClinVar aggregate classification (germline): Uncertain significance (0 of 4 stars; one submission).

gnomAD v4.1: 2 of 1,612,820 alleles (0.00012%); highest among the groups gnomAD compares: South Asian, 0.0011%; no homozygotes.

Submission:

Greenwood Genetic Center Diagnostic Laboratories, Greenwood Genetic Center
Classification: Uncertain significance. Last evaluated: 2021-10-04. Review status: no assertion criteria provided. Collection method: clinical testing. Allele origin: germline. Affected: yes.
Comment: Gene of uncertain significance

NM_017719.5(SNRK):c.1745G>A (p.Gly582Asp)

Genes: SNRK (SNF related kinase; plus strand), SNRK-AS1 (SNRK antisense RNA 1; minus strand). Cytogenetic location: 3p22.1.
Variant type: single nucleotide variant.
Coding change: c.1745G>A on transcript NM_017719.5 (MANE Select); coding-DNA position 1745, G replaced by A.
Protein change: p.Gly582Asp; replaces glycine 582 with aspartic acid.
Molecular consequence: missense variant. On other transcripts: non-coding transcript variant (1).
Genome position (GRCh38, 1-based): chr3:43,348,004, G>A. VCF-style: chr3-43348004-G-A. GRCh37 (hg19) VCF-style: chr3-43389496-G-A.
Other names: c.1745G>A, p.Gly582Asp (NM_001100594.2); c.1127G>A, p.Gly376Asp (NM_001330750.2); short protein forms G376D, G582D.
Identifiers: ClinVar variation 1334588 (VCV001334588.4), dbSNP rs2091290924, ClinGen allele CA352340327.